The following is an entry in ClinVar:

NM_000844.4(GRM7):c.376C>T (p.Leu126Phe)

Gene: GRM7 (glutamate metabotropic receptor 7; plus strand). Cytogenetic location: 3p26.1.
Variant type: single nucleotide variant.
Coding change: c.376C>T on transcript NM_000844.4 (MANE Select); coding-DNA position 376, C replaced by T.
Protein change: p.Leu126Phe; replaces leucine 126 with phenylalanine.
Molecular consequence: missense variant.
Genome position (GRCh38, 1-based): chr3:6,861,764, C>T. VCF-style: chr3-6861764-C-T. GRCh37 (hg19) VCF-style: chr3-6903451-C-T.
Other names: c.376C>T, p.Leu126Phe (NM_181874.3); short protein forms L126F.
Identifiers: ClinVar variation 2798279 (VCV002798279.3), dbSNP rs1200043641, ClinGen allele CA351796821.

ClinVar aggregate classification (germline): Uncertain significance (1 of 4 stars; one submission).

gnomAD v4.1: 21 of 1,614,238 alleles (0.0013%); highest among the groups gnomAD compares: Non-Finnish European, 0.0018%; no homozygotes.

Submission:

Labcorp Genetics (formerly Invitae), Labcorp
Classification: Uncertain significance. Last evaluated: 2022-10-19. Review status: criteria provided, single submitter. Criteria: Invitae Variant Classification Sherloc (09022015). Collection method: clinical testing. Allele origin: germline.
Comment: This variant has not been reported in the literature in individuals affected with GRM7-related conditions. In summary, the available evidence is currently insufficient to determine the role of this variant in disease. Therefore, it has been classified as a Variant of Uncertain Significance. Advanced modeling of protein sequence and biophysical properties (such as structural, functional, and spatial information, amino acid conservation, physicochemical variation, residue mobility, and thermodynamic stability) performed at Invitae indicates that this missense variant is not expected to disrupt GRM7 protein function. This variant is not present in population databases (gnomAD no frequency). This sequence change replaces leucine, which is neutral and non-polar, with phenylalanine, which is neutral and non-polar, at codon 126 of the GRM7 protein (p.Leu126Phe).